The following is an entry in ClinVar:

ClinVar aggregate classification (germline): Uncertain significance (1 of 4 stars; one submission).

Submission:

Labcorp Genetics (formerly Invitae), Labcorp
Classification: Uncertain significance. Last evaluated: 2024-10-11. Review status: criteria provided, single submitter. Criteria: Invitae Variant Classification Sherloc (09022015). Collection method: clinical testing. Allele origin: germline.
Comment: This sequence change falls in intron 6 of the RHAG gene. It does not directly change the encoded amino acid sequence of the RHAG protein. This variant is not present in population databases (gnomAD no frequency). This variant has not been reported in the literature in individuals affected with RHAG-related conditions. Algorithms developed to predict the effect of sequence changes on RNA splicing suggest that this variant may disrupt the consensus splice site. In summary, the available evidence is currently insufficient to determine the role of this variant in disease. Therefore, it has been classified as a Variant of Uncertain Significance.

NM_000324.3(RHAG):c.946-5T>G

Gene: RHAG (Rh associated glycoprotein; minus strand). Cytogenetic location: 6p12.3.
Variant type: single nucleotide variant.
Coding change: c.946-5T>G on transcript NM_000324.3 (MANE Select); 5 bases into the intron before coding-DNA position 946, T replaced by G.
Molecular consequence: intron variant.
Genome position (GRCh38, 1-based): chr6:49,611,150, A>C on the plus strand (T>G on the coding strand, the complement: RHAG is on the minus strand). VCF-style: chr6-49611150-A-C. GRCh37 (hg19) VCF-style: chr6-49578863-A-C.
Identifiers: ClinVar variation 3722713 (VCV003722713.2).